The following is an entry in ClinVar:

ClinVar aggregate classification (germline): Uncertain significance (1 of 4 stars; one submission).

Conditions:
Joubert syndrome 23 (JBTS23). Identifiers: Orphanet 475, MedGen C4084822, MONDO:0014664, OMIM 616490.
Short-rib thoracic dysplasia 14 with polydactyly (SRTD14). Identifiers: Orphanet 397715, MedGen C4225286, MONDO:0014688, OMIM 616546.

Submission:

Labcorp Genetics (formerly Invitae), Labcorp
Classification: Uncertain significance for Joubert syndrome 23; Short-rib thoracic dysplasia 14 with polydactyly. Last evaluated: 2024-04-10. Review status: criteria provided, single submitter. Criteria: Invitae Variant Classification Sherloc (09022015). Collection method: clinical testing. Allele origin: germline.
Comment: This sequence change replaces aspartic acid, which is acidic and polar, with valine, which is neutral and non-polar, at codon 1502 of the KIAA0586 protein (p.Asp1502Val). This variant is not present in population databases (gnomAD no frequency). This variant has not been reported in the literature in individuals affected with KIAA0586-related conditions. ClinVar contains an entry for this variant (Variation ID: 1488369). Advanced modeling of protein sequence and biophysical properties (such as structural, functional, and spatial information, amino acid conservation, physicochemical variation, residue mobility, and thermodynamic stability) has been performed at Invitae for this missense variant, however the output from this modeling did not meet the statistical confidence thresholds required to predict the impact of this variant on KIAA0586 protein function. Algorithms developed to predict the effect of sequence changes on RNA splicing suggest that this variant may disrupt the consensus splice site. In summary, the available evidence is currently insufficient to determine the role of this variant in disease. Therefore, it has been classified as a Variant of Uncertain Significance.

NM_001329943.3(KIAA0586):c.4346A>T (p.Asp1449Val)

Gene: KIAA0586 (KIAA0586; plus strand). Cytogenetic location: 14q23.1.
Variant type: single nucleotide variant.
Coding change: c.4346A>T on transcript NM_001329943.3 (MANE Select); coding-DNA position 4346, A replaced by T.
Protein change: p.Asp1449Val; replaces aspartic acid 1449 with valine.
Molecular consequence: missense variant.
Genome position (GRCh38, 1-based): chr14:58,512,544, A>T. VCF-style: chr14-58512544-A-T. GRCh37 (hg19) VCF-style: chr14-58979262-A-T.
Other names: c.4505A>T, p.Asp1502Val (NM_001244189.2); c.4301A>T, p.Asp1434Val (NM_001244190.2); c.4091A>T, p.Asp1364Val (NM_001244191.2, NM_001329945.2, NM_001364700.1 and 1 more transcripts); c.4214A>T, p.Asp1405Val (NM_001244192.2, NM_001329947.2); c.3926A>T, p.Asp1309Val (NM_001244193.2); c.4346A>T, p.Asp1449Val (NM_001329944.2, NM_001329946.2); c.4118A>T, p.Asp1373Val (NM_014749.5); short protein forms D1364V, D1373V, D1309V, D1449V, D1502V, D1405V, D1434V.
Identifiers: ClinVar variation 1488369 (VCV001488369.8), dbSNP rs2141479700, ClinGen allele CA390058068.